The following is an entry in ClinVar:

ClinVar aggregate classification (germline): Pathogenic. Review status: reviewed by expert panel (3 of 4 stars). 6 submissions from 6 submitters: Pathogenic (1). 5 of the submissions do not count toward it. Last evaluated 2016-09-08.

Conditions:
Hereditary cancer-predisposing syndrome. Also called: Hereditary Cancer Syndrome; Hereditary neoplastic syndrome; Neoplastic Syndromes, Hereditary; Tumor predisposition. Identifiers: Orphanet 140162, MedGen C0027672, MeSH D009386, MONDO:0015356.
Breast-ovarian cancer, familial, susceptibility to, 1 (BROVCA1). Also called: BRCA1 Hereditary Breast and Ovarian Cancer; OVARIAN CANCER, SUSCEPTIBILITY TO. Identifiers: Orphanet 145, MedGen C2676676, MONDO:0011450, OMIM 604370. Disease mechanism: loss of function.
Hereditary breast ovarian cancer syndrome. Also called: BRCA1- and BRCA2-Associated Hereditary Breast and Ovarian Cancer; Hereditary breast and ovarian cancer syndrome; Hereditary breast and ovarian cancer syndrome (HBOC); Breast and ovarian cancer; Hereditary breast and/or ovarian cancer syndrome; Hereditary breast and ovarian cancer. Identifiers: Orphanet 145, MedGen C0677776, MeSH D061325, MONDO:0003582. Disease mechanism: loss of function.

Submissions (7):

Evidence-based Network for the Interpretation of Germline Mutant Alleles (ENIGMA)
Classification: Pathogenic for Breast-ovarian cancer, familial, susceptibility to, 1. Last evaluated: 2016-09-08. Review status: reviewed by expert panel. Criteria: ENIGMA BRCA1/2 Classification Criteria (2015). Collection method: curation. Allele origin: germline.
Comment: Variant allele predicted to encode a truncated non-functional protein.

Ambry Genetics
Classification: Pathogenic for Hereditary cancer-predisposing syndrome. Last evaluated: 2026-05-05. Review status: criteria provided, single submitter. Criteria: Ambry Variant Classification Scheme 2023. Collection method: clinical testing. Allele origin: germline. Not counted in ClinVar's aggregate classification.
Comment: The p.E1635* pathogenic mutation (also known as c.4903G>T), located in coding exon 14 of the BRCA1 gene, results from a G to T substitution at nucleotide position 4903. This changes the amino acid from a glutamic acid to a stop codon within coding exon 14. One functional study found that this nucleotide substitution is non-functional in a high throughput genome editing haploid cell survival assay (Findlay GM et al. Nature, 2018 Oct;562:217-222). This variant is considered to be rare based on population cohorts in the Genome Aggregation Database (gnomAD). This alteration is expected to result in loss of function by premature protein truncation or nonsense-mediated mRNA decay. As such, this alteration is interpreted as a disease-causing mutation.

Labcorp Genetics (formerly Invitae), Labcorp
Classification: Pathogenic for Hereditary breast ovarian cancer syndrome. Last evaluated: 2023-11-28. Review status: criteria provided, single submitter. Criteria: Invitae Variant Classification Sherloc (09022015). Collection method: clinical testing. Allele origin: germline. Not counted in ClinVar's aggregate classification.
Comment: This sequence change creates a premature translational stop signal (p.Glu1635*) in the BRCA1 gene. It is expected to result in an absent or disrupted protein product. Loss-of-function variants in BRCA1 are known to be pathogenic (PMID: 20104584). This variant is not present in population databases (gnomAD no frequency). This premature translational stop signal has been observed in individual(s) with breast and/or ovarian cancer (PMID: 22970155). ClinVar contains an entry for this variant (Variation ID: 55311). For these reasons, this variant has been classified as Pathogenic.

Consortium of Investigators of Modifiers of BRCA1/2 (CIMBA), c/o University of Cambridge
Classification: Pathogenic for Breast-ovarian cancer, familial, susceptibility to, 1. Last evaluated: 2015-10-02. Review status: criteria provided, single submitter. Criteria: CIMBA Mutation Classification guidelines May 2016. Collection method: clinical testing. Allele origin: germline. Not counted in ClinVar's aggregate classification.

Research Molecular Genetics Laboratory, Women's College Hospital, University of Toronto
Classification: Pathogenic for Hereditary breast ovarian cancer syndrome. Last evaluated: 2014-01-31. Review status: no assertion criteria provided. Collection method: research. Allele origin: germline. Affected: yes. Study: The Canadian Open Genetics Repository (COGR). Not counted in ClinVar's aggregate classification.

Breast Cancer Information Core (BIC) (BRCA1)
Classification: Uncertain significance for Breast-ovarian cancer, familial 1. Last evaluated: 2013-02-20. Review status: no assertion criteria provided. Collection method: clinical testing. Allele origin: somatic. Affected: yes. Observed: 1 variant allele. Not counted in ClinVar's aggregate classification.

Brotman Baty Institute, University of Washington
No classification provided (evidence only). Condition: Breast-ovarian cancer, familial 1. Review status: no classification provided. Collection method: in vitro. Allele origin: not applicable. Functional consequence: functionally_abnormal. Not counted in ClinVar's aggregate classification.
ClinVar note: "not provided" was previously submitted as the classification for the variant. However, the classification appeared to be based only on an observation of functional data so it was converted to no classification on 2025-07-30.

Literature cited by the submitters: PubMed 22970155 (cited by Ambry Genetics and Labcorp Genetics (formerly Invitae), Labcorp); PubMed 29446198 (cited by Ambry Genetics); PubMed 30209399 (cited by Ambry Genetics); PubMed 20104584 (cited by Labcorp Genetics (formerly Invitae), Labcorp).

NM_007294.4(BRCA1):c.4903G>T (p.Glu1635Ter)

Gene: BRCA1 (BRCA1 DNA repair associated; minus strand). Cytogenetic location: 17q21.31.
Variant type: single nucleotide variant.
Coding change: c.4903G>T on transcript NM_007294.4 (MANE Select); coding-DNA position 4903, G replaced by T.
Protein change: p.Glu1635Ter; replaces glutamic acid 1635 with a stop codon.
Molecular consequence: nonsense. On other transcripts: non-coding transcript variant (1).
Genome position (GRCh38, 1-based): chr17:43,071,011, C>A on the plus strand (G>T on the coding strand, the complement: BRCA1 is on the minus strand). VCF-style: chr17-43071011-C-A. GRCh37 (hg19) VCF-style: chr17-41223028-C-A.
Other names: 5022G>T; c.4900G>T, p.Glu1634Ter (NM_001407614.1, NM_001407615.1, NM_001407616.1 and 17 more transcripts); c.4897G>T, p.Glu1633Ter (NM_001407633.1, NM_001407634.1, NM_001407635.1 and 14 more transcripts); c.4825G>T, p.Glu1609Ter (NM_001407655.1, NM_001407653.1, NM_001407654.1); c.4822G>T, p.Glu1608Ter (NM_001407656.1, NM_001407657.1, NM_001407658.1); c.4819G>T, p.Glu1607Ter (NM_001407659.1, NM_001407660.1, NM_001407661.1 and 2 more transcripts); c.4780G>T, p.Glu1594Ter (NM_001407664.1, NM_001407919.1, NM_001407937.1 and 6 more transcripts); c.4777G>T, p.Glu1593Ter (NM_001407674.1, NM_001407675.1, NM_001407676.1 and 11 more transcripts); and 71 more; short protein forms E1635*, E1656*, E531*, E1588*, E1339*, E1481*, E1522*, E1545*.
Identifiers: ClinVar variation 55311 (VCV000055311.19), dbSNP rs200432771, ClinGen allele CA003073.